The following is an entry in ClinVar:

ClinVar aggregate classification (germline): Pathogenic/Likely pathogenic. Review status: criteria provided, multiple submitters, no conflicts (2 of 4 stars). 5 submissions from 5 submitters: Pathogenic (1); Likely pathogenic (4). Last evaluated 2024-02-01.

Conditions:
Combined osteogenesis imperfecta and Ehlers-Danlos syndrome 2. Also called: OIEDS SYNDROME 2. Identifiers: MedGen C5436847, MONDO:0030855, OMIM 619120.
Ehlers-Danlos syndrome, arthrochalasia type, 2. Also called: EHLERS-DANLOS SYNDROME, TYPE VIIB, AUTOSOMAL DOMINANT. Identifiers: MedGen CN293783, MONDO:0040501, OMIM 617821.
Osteogenesis imperfecta with normal sclerae, dominant form (OI4). Also called: OSTEOGENESIS IMPERFECTA, TYPE IV, WITH DENTINOGENESIS IMPERFECTA; OSTEOGENESIS IMPERFECTA WITH NORMAL SCLERAE; Osteogenesis imperfecta type 4; Osteogenesis Imperfecta Type IV; Common Variable Osteogenesis Imperfecta with Normal Sclerae. Identifiers: Orphanet 216820, Orphanet 666, MedGen C0268363, MONDO:0008148, OMIM 166220.
Ehlers-Danlos syndrome, classic type, 1 (EDSCL1). Also called: EHLERS-DANLOS SYNDROME, GRAVIS TYPE; EHLERS-DANLOS SYNDROME, SEVERE CLASSIC TYPE; Ehlers-Danlos syndrome, type 1; Ehlers-Danlos Syndrome, Classic Type, COL5A1-Related; EDS I. Identifiers: MedGen C0268335, MONDO:0019567, OMIM 130000.
Osteogenesis imperfecta type I (OI1). Also called: OI, TYPE I; OSTEOGENESIS IMPERFECTA TARDA; OSTEOGENESIS IMPERFECTA WITH BLUE SCLERAE; Osteogenesis imperfecta type 1; Lobstein's Disease; Lobstein disease. Identifiers: Orphanet 216796, Orphanet 666, MedGen C0023931, MONDO:0008146, OMIM 166200. Disease mechanism: loss of function.

Submissions (5):

Revvity Omics, Revvity
Classification: Likely pathogenic. Last evaluated: 2024-02-01. Review status: criteria provided, single submitter. Criteria: ACMG Guidelines, 2015. Collection method: clinical testing. Allele origin: germline.

3billion
Classification: Likely pathogenic for Ehlers-Danlos syndrome, arthrochalasia type, 2. Last evaluated: 2023-06-05. Review status: criteria provided, single submitter. Criteria: ACMG Guidelines, 2015. Collection method: clinical testing. Allele origin: germline. Affected: yes.
Comment: The variant is not observed in the gnomAD v2.1.1 dataset. Predicted Consequence/Location: Missense changes are a common disease-causing mechanism. In silico tool predictions suggest damaging effect of the variant on gene or gene product (REVEL: 0.95; 3Cnet: 0.24). Same nucleotide change resulting in same amino acid change has been previously reported as pathogenic/likely pathogenic with strong evidence (ClinVar ID: VCV001498972 /PMID: 30715774). Different missense changes at the same codon (p.Cys1195Ser, p.Cys1195Tyr) have been reported to be associated with COL1A2 related disorder (ClinVar ID: VCV002019973 /PMID: 16786509 /3billion dataset). Therefore, this variant is classified as Likely pathogenic according to the recommendation of ACMG/AMP guideline.

Labcorp Genetics (formerly Invitae), Labcorp
Classification: Pathogenic for Osteogenesis imperfecta type I; Ehlers-Danlos syndrome, classic type, 1. Last evaluated: 2022-07-28. Review status: criteria provided, single submitter. Criteria: Invitae Variant Classification Sherloc (09022015). Collection method: clinical testing. Allele origin: germline.
Comment: This missense change has been observed in individual(s) with autosomal dominant osteogenesis imperfecta (PMID: 30715774; Invitae). For these reasons, this variant has been classified as Pathogenic. This variant disrupts the p.Cys1195 amino acid residue in COL1A2. Other variant(s) that disrupt this residue have been determined to be pathogenic (Invitae). This suggests that this residue is clinically significant, and that variants that disrupt this residue are likely to be disease-causing. Advanced modeling of protein sequence and biophysical properties (such as structural, functional, and spatial information, amino acid conservation, physicochemical variation, residue mobility, and thermodynamic stability) performed at Invitae indicates that this missense variant is expected to disrupt COL1A2 protein function. ClinVar contains an entry for this variant (Variation ID: 1498972). This variant is not present in population databases (gnomAD no frequency). This sequence change replaces cysteine, which is neutral and slightly polar, with arginine, which is basic and polar, at codon 1195 of the COL1A2 protein (p.Cys1195Arg).

Laboratorio de Genética Hospitales Universitarios Virgen de las Nieves y Clínico San Cecilio (Granada, Spain), Hospitales Universitarios Virgen de las Nieves y Clínico San Cecilio (Granada, Spain)
Classification: Likely pathogenic for Osteogenesis imperfecta with normal sclerae, dominant form. Last evaluated: 2022-06-27. Review status: criteria provided, single submitter. Criteria: ACMG 2015. Collection method: clinical testing. Allele origin: germline. Inheritance: Autosomal dominant inheritance. Affected: yes. Observed: 1 variant allele.
Comment: This variant meets the criteria PM2,PP2,PP3 and PP5 according to ACMG (2015)

MGZ Medical Genetics Center
Classification: Likely pathogenic for Combined osteogenesis imperfecta and Ehlers-Danlos syndrome 2. Last evaluated: 2022-05-09. Review status: criteria provided, single submitter. Criteria: ACMG Guidelines, 2015. Collection method: clinical testing. Allele origin: germline. Affected: yes. Observed: 1 variant allele.
Comment: ACMG criteria applied: PM1, PM5, PM2_SUP, PP2, PP3

Literature cited by the submitters: PubMed 30715774 (cited by 3billion and Labcorp Genetics (formerly Invitae), Labcorp); PubMed 16786509 (cited by 3billion).

NM_000089.4(COL1A2):c.3583T>C (p.Cys1195Arg)

Gene: COL1A2 (collagen type I alpha 2 chain; plus strand). Cytogenetic location: 7q21.3.
Variant type: single nucleotide variant.
Coding change: c.3583T>C on transcript NM_000089.4 (MANE Select); coding-DNA position 3583, T replaced by C.
Protein change: p.Cys1195Arg; replaces cysteine 1195 with arginine.
Molecular consequence: missense variant.
Genome position (GRCh38, 1-based): chr7:94,428,349, T>C. VCF-style: chr7-94428349-T-C. GRCh37 (hg19) VCF-style: chr7-94057661-T-C.
Other names: short protein forms C1195R.
Identifiers: ClinVar variation 1498972 (VCV001498972.10), dbSNP rs2115962248, ClinGen allele CA368226295.
Genomic context (GRCh38, chr7:94,428,349, plus strand): 5'-AAAGGTTACTACTGGATTGACCCTAACCAAGGATGCACTATGGATGCTATCAAAGTATAC[T>C]GTGATTTCTCTACTGGCGAAACCTGTATCCGGGCCCAACCTGAAAACATCCCAGCCAAGA-3'
Protein context (NP_000080.2, residues 1185-1205): GCTMDAIKVY[Cys1195Arg]DFSTGETCIR